The following is an entry in ClinVar:

ClinVar aggregate classification (germline): Uncertain significance (1 of 4 stars; one submission).

Allele frequency attached by ClinVar (database versions not stated): ExAC 0.00001; gnomAD 0.00001; gnomAD exomes 0.00001.
gnomAD v4.1: 4 of 1,613,768 alleles (0.00025%); highest among the groups gnomAD compares: Non-Finnish European, 0.00034%; no homozygotes.

Submission:

Labcorp Genetics (formerly Invitae), Labcorp
Classification: Uncertain significance. Last evaluated: 2022-06-24. Review status: criteria provided, single submitter. Criteria: Invitae Variant Classification Sherloc (09022015). Collection method: clinical testing. Allele origin: germline.
Comment: In summary, the available evidence is currently insufficient to determine the role of this variant in disease. Therefore, it has been classified as a Variant of Uncertain Significance. Algorithms developed to predict the effect of missense changes on protein structure and function (SIFT, PolyPhen-2, Align-GVGD) all suggest that this variant is likely to be tolerated. This variant has not been reported in the literature in individuals affected with TTLL5-related conditions. This variant is present in population databases (rs749314474, gnomAD 0.0009%). This sequence change replaces glutamine, which is neutral and polar, with glutamic acid, which is acidic and polar, at codon 857 of the TTLL5 protein (p.Gln857Glu).

NM_015072.5(TTLL5):c.2569C>G (p.Gln857Glu)

Gene: TTLL5 (tubulin tyrosine ligase like 5; plus strand). Cytogenetic location: 14q24.3.
Variant type: single nucleotide variant.
Coding change: c.2569C>G on transcript NM_015072.5 (MANE Select); coding-DNA position 2569, C replaced by G.
Protein change: p.Gln857Glu; replaces glutamine 857 with glutamic acid.
Molecular consequence: missense variant.
Genome position (GRCh38, 1-based): chr14:75,782,540, C>G. VCF-style: chr14-75782540-C-G. GRCh37 (hg19) VCF-style: chr14-76248883-C-G.
Other names: short protein forms Q857E.
Identifiers: ClinVar variation 2135098 (VCV002135098.4), dbSNP rs749314474, ClinGen allele CA7279750.